The following is an entry in ClinVar:

ClinVar aggregate classification (germline): Likely benign. Review status: criteria provided, multiple submitters, no conflicts (2 of 4 stars). 2 submissions from 2 submitters: Likely benign (2). Last evaluated 2025-02-26.

Conditions:
PHKA2-related disorder. Also called: PHKA2-related condition.
Inborn genetic diseases. Identifiers: MedGen C0950123, MeSH D030342.

Allele frequency attached by ClinVar (database versions not stated): ExAC 0.00008; ESP Exome Variant Server 0.00009; gnomAD 0.00023.
gnomAD v4.1: 49 of 1,202,824 alleles (0.0041%); highest among the groups gnomAD compares: African/African-American, 0.072%; no homozygotes.

Submissions (2):

PreventionGenetics, part of Exact Sciences
Classification: Likely benign for PHKA2-related condition. Last evaluated: 2025-02-26. Review status: criteria provided, single submitter. Criteria: ACMG Guidelines, 2015. Collection method: clinical testing. Allele origin: germline.
Comment: This variant is classified as likely benign based on ACMG/AMP sequence variant interpretation guidelines (Richards et al. 2015 PMID: 25741868, with internal and published modifications).

Ambry Genetics
Classification: Likely benign for Inborn genetic diseases. Last evaluated: 2023-03-17. Review status: criteria provided, single submitter. Criteria: Ambry Variant Classification Scheme 2023. Collection method: clinical testing. Allele origin: germline.

NM_000292.3(PHKA2):c.1219T>C (p.Tyr407His)

Gene: PHKA2 (phosphorylase kinase regulatory subunit alpha 2; minus strand). Cytogenetic location: Xp22.13.
Variant type: single nucleotide variant.
Coding change: c.1219T>C on transcript NM_000292.3 (MANE Select); coding-DNA position 1219, T replaced by C.
Protein change: p.Tyr407His; replaces tyrosine 407 with histidine.
Molecular consequence: missense variant.
Genome position (GRCh38, 1-based): chrX:18,931,667, A>G on the plus strand (T>C on the coding strand, the complement: PHKA2 is on the minus strand). VCF-style: chrX-18931667-A-G. GRCh37 (hg19) VCF-style: chrX-18949785-A-G.
Other names: short protein forms Y407H.
Identifiers: ClinVar variation 2519072 (VCV002519072.3), dbSNP rs151036725, ClinGen allele CA10361944.